The following is an entry in ClinVar:

NM_000038.6(APC):c.2913T>A (p.Asp971Glu)

Gene: APC (APC regulator of Wnt signaling pathway; plus strand). Cytogenetic location: 5q22.2.
Variant type: single nucleotide variant.
Coding change: c.2913T>A on transcript NM_000038.6 (MANE Select); coding-DNA position 2913, T replaced by A.
Protein change: p.Asp971Glu; replaces aspartic acid 971 with glutamic acid.
Molecular consequence: missense variant.
Genome position (GRCh38, 1-based): chr5:112,838,507, T>A. VCF-style: chr5-112838507-T-A. GRCh37 (hg19) VCF-style: chr5-112174204-T-A.
Other names: c.2913T>A, p.Asp971Glu (NM_001127510.3, NM_001354895.2); c.2859T>A, p.Asp953Glu (NM_001127511.3); c.2967T>A, p.Asp989Glu (NM_001354896.2); c.2943T>A, p.Asp981Glu (NM_001354897.2); c.2838T>A, p.Asp946Glu (NM_001354898.2); c.2829T>A, p.Asp943Glu (NM_001354899.2); c.2790T>A, p.Asp930Glu (NM_001354900.2); c.2736T>A, p.Asp912Glu (NM_001354901.2); and 5 more; short protein forms D688E, D845E, D880E, D870E, D930E, D981E, D811E, D912E.
Identifiers: ClinVar variation 1431187 (VCV001431187.8), dbSNP rs917767842, ClinGen allele CA16027696.

ClinVar aggregate classification (germline): Uncertain significance (1 of 4 stars; one submission).

Conditions:
Familial adenomatous polyposis 1 (FAP1). Also called: POLYPOSIS, ADENOMATOUS INTESTINAL; FAMILIAL ADENOMATOUS POLYPOSIS 1, ATTENUATED. Identifiers: MedGen C2713442, MONDO:0021056, OMIM 175100. Disease mechanism: loss of function.

Submission:

Labcorp Genetics (formerly Invitae), Labcorp
Classification: Uncertain significance for Familial adenomatous polyposis 1. Last evaluated: 2022-06-13. Review status: criteria provided, single submitter. Criteria: Invitae Variant Classification Sherloc (09022015). Collection method: clinical testing. Allele origin: germline.
Comment: This sequence change replaces aspartic acid, which is acidic and polar, with glutamic acid, which is acidic and polar, at codon 971 of the APC protein (p.Asp971Glu). In summary, the available evidence is currently insufficient to determine the role of this variant in disease. Therefore, it has been classified as a Variant of Uncertain Significance. Algorithms developed to predict the effect of missense changes on protein structure and function (SIFT, PolyPhen-2, Align-GVGD) all suggest that this variant is likely to be tolerated. This variant has not been reported in the literature in individuals affected with APC-related conditions. This variant is not present in population databases (gnomAD no frequency).